The following is an entry in ClinVar:

NM_001003800.2(BICD2):c.2158G>A (p.Ala720Thr)

Gene: BICD2 (BICD cargo adaptor 2; minus strand). Cytogenetic location: 9q22.31.
Variant type: single nucleotide variant.
Coding change: c.2158G>A on transcript NM_001003800.2 (MANE Select); coding-DNA position 2158, G replaced by A.
Protein change: p.Ala720Thr; replaces alanine 720 with threonine.
Molecular consequence: missense variant.
Genome position (GRCh38, 1-based): chr9:92,717,897, C>T on the plus strand (G>A on the coding strand, the complement: BICD2 is on the minus strand). VCF-style: chr9-92717897-C-T. GRCh37 (hg19) VCF-style: chr9-95480179-C-T.
Other names: c.2158G>A, p.Ala720Thr (NM_015250.4); short protein forms A720T.
Identifiers: ClinVar variation 2813097 (VCV002813097.3), dbSNP rs1478749168, ClinGen allele CA374032882.

ClinVar aggregate classification (germline): Uncertain significance (1 of 4 stars; one submission).

Conditions:
Autosomal dominant childhood-onset proximal spinal muscular atrophy with contractures (SMALED2A). Also called: SPINAL MUSCULAR ATROPHY, LOWER EXTREMITY-PREDOMINANT, 2A, CHILDHOOD ONSET, AUTOSOMAL DOMINANT; Spinal muscular atrophy, lower extremity-predominant, 2A, autosomal dominant. Identifiers: Orphanet 363447, Orphanet 363454, MedGen C4747715, MONDO:0014121, OMIM 615290.

Allele frequency attached by ClinVar (database versions not stated): gnomAD exomes below 0.00001.
gnomAD v4.1: 4 of 1,613,556 alleles (0.00025%); highest among the groups gnomAD compares: East Asian, 0.0022%; no homozygotes.

Submission:

Labcorp Genetics (formerly Invitae), Labcorp
Classification: Uncertain significance for Autosomal dominant childhood-onset proximal spinal muscular atrophy with contractures. Last evaluated: 2022-11-09. Review status: criteria provided, single submitter. Criteria: Invitae Variant Classification Sherloc (09022015). Collection method: clinical testing. Allele origin: germline.
Comment: Advanced modeling of protein sequence and biophysical properties (such as structural, functional, and spatial information, amino acid conservation, physicochemical variation, residue mobility, and thermodynamic stability) performed at Invitae indicates that this missense variant is not expected to disrupt BICD2 protein function. This variant has not been reported in the literature in individuals affected with BICD2-related conditions. This variant is present in population databases (no rsID available, gnomAD 0.006%). This sequence change replaces alanine, which is neutral and non-polar, with threonine, which is neutral and polar, at codon 720 of the BICD2 protein (p.Ala720Thr). In summary, the available evidence is currently insufficient to determine the role of this variant in disease. Therefore, it has been classified as a Variant of Uncertain Significance.